The following is an entry in ClinVar:

ClinVar aggregate classification (germline): Benign (1 of 4 stars; one submission).

Allele frequency attached by ClinVar (database versions not stated): gnomAD 0.79961 and 0.80435; TOPMed 0.80105; gnomAD exomes 0.81697; 1000 Genomes Project 30x 0.83979; 1000 Genomes Project 0.84245.
gnomAD v4.1: 595,581 of 731,600 alleles (81%); highest among the groups gnomAD compares: East Asian, 96%; 243,614 homozygotes.

Submission:

GeneDx
Classification: Benign. Last evaluated: 2018-06-14. Review status: criteria provided, single submitter. Criteria: GeneDx Variant Classification (06012015). Collection method: clinical testing. Allele origin: germline. Affected: yes.
Comment: This variant is considered likely benign or benign based on one or more of the following criteria: it is a conservative change, it occurs at a poorly conserved position in the protein, it is predicted to be benign by multiple in silico algorithms, and/or has population frequency not consistent with disease.

NM_000069.3(CACNA1S):c.1620-133T>C

Gene: CACNA1S (calcium voltage-gated channel subunit alpha1 S; minus strand). Cytogenetic location: 1q32.1.
Variant type: single nucleotide variant.
Coding change: c.1620-133T>C on transcript NM_000069.3 (MANE Select); 133 bases into the intron before coding-DNA position 1620, T replaced by C.
Molecular consequence: intron variant.
Genome position (GRCh38, 1-based): chr1:201,077,260, A>G on the plus strand (T>C on the coding strand, the complement: CACNA1S is on the minus strand). VCF-style: chr1-201077260-A-G. GRCh37 (hg19) VCF-style: chr1-201046388-A-G.
Identifiers: ClinVar variation 678220 (VCV000678220.1), dbSNP rs6672094, ClinGen allele CA10889193.
Genomic context (GRCh38, chr1:201,077,260, plus strand): 5'-TGGGGGAAAGACTCAGGACTGATGTGACACAGAGGGAGGGGGCTGCCTCACTGCTGGAAG[A>G]CCCTGGATTCATGGCTGCATGCCCACTCTCTCCTTCCTGCAGAGCACTTGTCTGTTTGTA-3'